The following is an entry in ClinVar:

NM_001127644.2(GABRA1):c.811T>C (p.Ser271Pro)

Gene: GABRA1 (gamma-aminobutyric acid type A receptor subunit alpha1; plus strand). Cytogenetic location: 5q34.
Variant type: single nucleotide variant.
Coding change: c.811T>C on transcript NM_001127644.2 (MANE Select); coding-DNA position 811, T replaced by C.
Protein change: p.Ser271Pro; replaces serine 271 with proline.
Molecular consequence: missense variant.
Genome position (GRCh38, 1-based): chr5:161,891,005, T>C. VCF-style: chr5-161891005-T-C. GRCh37 (hg19) VCF-style: chr5-161318011-T-C.
Other names: c.811T>C, p.Ser271Pro (NM_001127648.2, NM_000806.5, NM_001127643.2 and 1 more transcripts); short protein forms S271P.
Identifiers: ClinVar variation 1220045 (VCV001220045.3), dbSNP rs2113446651, ClinGen allele CA362179952.

ClinVar aggregate classification (germline): Uncertain significance (1 of 4 stars; one submission).

Submission:

GeneDx
Classification: Uncertain significance. Last evaluated: 2019-10-09. Review status: criteria provided, single submitter. Criteria: GeneDx Variant Classification Process June 2021. Collection method: clinical testing. Allele origin: germline. Affected: yes.
Comment: Not observed in large population cohorts (Lek et al., 2016); In silico analysis, which includes protein predictors and evolutionary conservation, supports a deleterious effect; Has not been previously published as pathogenic or benign to our knowledge